The following is an entry in ClinVar:

ClinVar aggregate classification (germline): Benign (1 of 4 stars; one submission).

Allele frequency attached by ClinVar (database versions not stated): 1000 Genomes Project 30x 0.46643; 1000 Genomes Project 0.47025; TOPMed 0.51997; gnomAD 0.53395; gnomAD exomes 0.62160.
gnomAD v4.1: 89,869 of 165,696 alleles (54%); highest among the groups gnomAD compares: Non-Finnish European, 62%; 25,307 homozygotes.

Submission:

Unidad de Genómica Garrahan, Hospital de Pediatría Garrahan
Classification: Benign. Last evaluated: 2024-07-15. Review status: criteria provided, single submitter. Criteria: ACMG Guidelines, 2015. Collection method: clinical testing. Allele origin: germline. Affected: no. Observed: 60 variant alleles.
Comment: This variant is classified as Benign based on local population frequency. This variant was detected in 65% of patients studied in a panel designed for Epileptic and Developmental Encephalopathy and Progressive Myoclonus Epilepsy. Number of patients: 60. Only high quality variants are reported.

NM_014795.4(ZEB2):c.73+19635A>G

Gene: ZEB2 (zinc finger E-box binding homeobox 2; minus strand). Cytogenetic location: 2q22.3.
Variant type: single nucleotide variant.
Coding change: c.73+19635A>G on transcript NM_014795.4 (MANE Select); 19635 bases into the intron after coding-DNA position 73, A replaced by G.
Molecular consequence: intron variant.
Genome position (GRCh38, 1-based): chr2:144,497,643, T>C on the plus strand (A>G on the coding strand, the complement: ZEB2 is on the minus strand). VCF-style: chr2-144497643-T-C. GRCh37 (hg19) VCF-style: chr2-145255210-T-C.
Other names: c.73+19635A>G (NM_001171653.2).
Identifiers: ClinVar variation 3255253 (VCV003255253.2), dbSNP rs12691693.